The following is an entry in ClinVar:

NM_004006.3(DMD):c.11047-34_11047-7dup

Gene: DMD (dystrophin; minus strand). Cytogenetic location: Xp21.2.
Variant type: Duplication.
Coding change: c.11047-34_11047-7dup on transcript NM_004006.3 (MANE Select); 34 bases into the intron before coding-DNA position 11047 through 7 bases into the intron before coding-DNA position 11047, 28 bases duplicated (GTAAAGTCTGTCTTTCTTTCTCTTTGTT).
Molecular consequence: intron variant.
Genome position (GRCh38, 1-based): chrX:31,121,937-31,121,964, AACAAAGAGAAAGAAAGACAGACTTTAC duplicated on the plus strand (GTAAAGTCTGTCTTTCTTTCTCTTTGTT on the coding strand, the reverse complement: DMD is on the minus strand); duplicating any 28 consecutive bases within chrX:31,121,937-31,121,966 gives the same sequence; the c. name uses the placement nearest the transcript's 3' end. VCF-style (leftmost placement, unchanged base first): chrX-31121936-A-AAACAAAGAGAAAGAAAGACAGACTTTAC. GRCh37 (hg19) VCF-style: chrX-31140053-A-AAACAAAGAGAAAGAAAGACAGACTTTAC.
Other names: c.11047-34_11047-7dup (NM_004006.2); c.11023-34_11023-7dup (NM_000109.4); c.7024-34_7024-7dup (NM_004011.4); c.7015-34_7015-7dup (NM_004012.4); c.3305-34_3305-7dup (NM_004023.3); c.3337-34_3337-7dup (NM_004020.4); c.3596-34_3596-7dup (NM_004022.3); c.3635-34_3635-7dup (NM_004021.3); and 8 more.
Identifiers: ClinVar variation 1514671 (VCV001514671.7), dbSNP rs2147582709, ClinGen allele CA2573158716.

ClinVar aggregate classification (germline): Likely benign (1 of 4 stars; one submission).

Conditions:
Becker muscular dystrophy (BMD). Also called: MUSCULAR DYSTROPHY, PSEUDOHYPERTROPHIC PROGRESSIVE, BECKER TYPE; Becker Muscular Dystrophy (BMD). Identifiers: Orphanet 98895, MedGen C0917713, MONDO:0010311, OMIM 300376.
Duchenne muscular dystrophy (DMD). Also called: MUSCULAR DYSTROPHY, PSEUDOHYPERTROPHIC PROGRESSIVE, DUCHENNE TYPE; Duchenne Muscular Dystrophy (DMD). Identifiers: Orphanet 98896, MedGen C0013264, MONDO:0010679, OMIM 310200.
Dilated cardiomyopathy 3B (CMD3B). Also called: CMD3B: DMD-Related Dilated Cardiomyopathy; CARDIOMYOPATHY, DILATED, X-LINKED; DMD-Associated Dilated Cardiomyopathy. Identifiers: Orphanet 154, MedGen C3668940, MONDO:0010542, OMIM 302045.

Submission:

Labcorp Genetics (formerly Invitae), Labcorp
Classification: Likely benign for Duchenne muscular dystrophy. Last evaluated: 2022-06-14. Review status: criteria provided, single submitter. Criteria: Invitae Variant Classification Sherloc (09022015). Collection method: clinical testing. Allele origin: germline.